The following is an entry in ClinVar:

ClinVar aggregate classification (germline): Uncertain significance. Review status: criteria provided, multiple submitters, no conflicts (2 of 4 stars). 2 submissions from 2 submitters: Uncertain significance (2). Last evaluated 2025-08-11.

Conditions:
Inborn genetic diseases. Identifiers: MedGen C0950123, MeSH D030342.
LAMA5-related disorder. Also called: LAMA5-Related Disorders; LAMA5-related condition.

Allele frequency attached by ClinVar (database versions not stated): gnomAD exomes below 0.00001; gnomAD 0.00001; TOPMed 0.00001.
gnomAD v4.1: 6 of 1,611,542 alleles (0.00037%); highest among the groups gnomAD compares: African/African-American, 0.0013%; no homozygotes.

Submissions (2):

PreventionGenetics, part of Exact Sciences
Classification: Uncertain significance for LAMA5-related condition. Last evaluated: 2025-08-11. Review status: criteria provided, single submitter. Criteria: ACMG Guidelines, 2015. Collection method: clinical testing. Allele origin: germline.
Comment: The LAMA5 c.8108G>A variant is predicted to result in the amino acid substitution p.Arg2703His. To our knowledge, this variant has not been reported in the literature. This variant is reported in 0.0% of alleles in individuals of African descent in gnomAD. At this time, the clinical significance of this variant is uncertain due to the absence of conclusive functional and genetic evidence.

Ambry Genetics
Classification: Uncertain significance for Inborn genetic diseases. Last evaluated: 2022-11-01. Review status: criteria provided, single submitter. Criteria: Ambry Variant Classification Scheme 2023. Collection method: clinical testing. Allele origin: germline.

NM_005560.6(LAMA5):c.8108G>A (p.Arg2703His)

Gene: LAMA5 (laminin subunit alpha 5; minus strand). Cytogenetic location: 20q13.33.
Variant type: single nucleotide variant.
Coding change: c.8108G>A on transcript NM_005560.6 (MANE Select); coding-DNA position 8108, G replaced by A.
Protein change: p.Arg2703His; replaces arginine 2703 with histidine.
Molecular consequence: missense variant.
Genome position (GRCh38, 1-based): chr20:62,314,887, C>T on the plus strand (G>A on the coding strand, the complement: LAMA5 is on the minus strand). VCF-style: chr20-62314887-C-T. GRCh37 (hg19) VCF-style: chr20-60889943-C-T.
Other names: c.8108G>A (NM_005560.4); short protein forms R2703H.
Identifiers: ClinVar variation 2321653 (VCV002321653.3), dbSNP rs973649038, ClinGen allele CA317240125.